The following is an entry in ClinVar:

ClinVar aggregate classification (germline): Uncertain significance (1 of 4 stars; one submission).

gnomAD v4.1: 2 of 1,611,890 alleles (0.00012%); highest among the groups gnomAD compares: South Asian, 0.0022%; no homozygotes.

Submission:

GeneDx
Classification: Uncertain significance. Last evaluated: 2025-03-24. Review status: criteria provided, single submitter. Criteria: GeneDx Variant Classification Process June 2021. Collection method: clinical testing. Allele origin: germline. Affected: yes.
Comment: Not observed at significant frequency in large population cohorts (gnomAD); In silico analysis supports that this missense variant has a deleterious effect on protein structure/function; Has not been previously published as pathogenic or benign to our knowledge

NM_000297.4(PKD2):c.1487G>T (p.Arg496Leu)

Gene: PKD2 (polycystin 2, transient receptor potential cation channel; plus strand). Cytogenetic location: 4q22.1.
Variant type: single nucleotide variant.
Coding change: c.1487G>T on transcript NM_000297.4 (MANE Select); coding-DNA position 1487, G replaced by T.
Protein change: p.Arg496Leu; replaces arginine 496 with leucine.
Molecular consequence: missense variant. On other transcripts: non-coding transcript variant (1).
Genome position (GRCh38, 1-based): chr4:88,046,809, G>T. VCF-style: chr4-88046809-G-T. GRCh37 (hg19) VCF-style: chr4-88967961-G-T.
Other names: c.1262G>T, p.Arg421Leu (NM_001440544.1); short protein forms R421L, R496L.
Identifiers: ClinVar variation 4088186 (VCV004088186.1).